The following is an entry in ClinVar:

NM_000276.4(OCRL):c.2635C>T (p.Gln879Ter)

Gene: OCRL (OCRL inositol polyphosphate-5-phosphatase; plus strand). Cytogenetic location: Xq26.1.
Variant type: single nucleotide variant.
Coding change: c.2635C>T on transcript NM_000276.4 (MANE Select); coding-DNA position 2635, C replaced by T.
Protein change: p.Gln879Ter; replaces glutamine 879 with a stop codon.
Molecular consequence: nonsense.
Genome position (GRCh38, 1-based): chrX:129,590,199, C>T. VCF-style: chrX-129590199-C-T. GRCh37 (hg19) VCF-style: chrX-128724176-C-T.
Other names: c.2638C>T, p.Gln880Ter (NM_001318784.2); c.2611C>T, p.Gln871Ter (NM_001587.4); short protein forms Q879*, Q871*, Q880*.
Identifiers: ClinVar variation 527798 (VCV000527798.8), dbSNP rs1556359544, ClinGen allele CA414633204.
Genomic context (GRCh38, chrX:129,590,199, plus strand): 5'-CTTGTAGCTACTCTCTTCACTAGTCTTCTCCTGAGGCCTCCACCCAACCTTATGGCAAGA[C>T]AGACTCCAAGTGACCGCCAGCGTGCTATTCAGTTCCTTCTGGGCTTTCTGCTTGGGAGCG-3'

ClinVar aggregate classification (germline): Uncertain significance (1 of 4 stars; one submission).

Conditions:
Lowe syndrome (OCRL). Also called: Oculocerebrorenal Syndrome; LOWE OCULOCEREBRORENAL SYNDROME; PHOSPHATIDYLINOSITOL 4,5-BISPHOSPHATE 5-PHOSPHATASE DEFICIENCY. Identifiers: Orphanet 534, MedGen C0028860, MONDO:0010645, OMIM 309000.

Submission:

Labcorp Genetics (formerly Invitae), Labcorp
Classification: Uncertain significance for Lowe syndrome. Last evaluated: 2017-10-22. Review status: criteria provided, single submitter. Criteria: Invitae Variant Classification Sherloc (09022015). Collection method: clinical testing. Allele origin: germline.
Comment: This variant has not been reported in the literature in individuals with OCRL-related disease. However, truncating variants downstream of this variant (p.Gln879Hisfs*4 and p.Ser882Lysfs*2) have been reported in individuals affected with Lowe syndrome (PMID: 21031565). These observations suggest that deletion of this region of the OCRL protein may be causative of disease. This sequence change partially removes the carboxy-terminal RhoGAP-like domain (residues 679 to 901) of the OCRL protein, which is essential for OCRL to interact with its binding partners (PMID: 19795375, 17765681). However, experimental studies and prediction algorithms are not available for this variant, and the functional significance of the deleted amino acids is currently unknown. This variant is not present in population databases (ExAC no frequency). This sequence change results in a premature translational stop signal in the OCRL gene (p.Gln879*). While this is not anticipated to result in nonsense mediated decay, it is expected to delete the last 23 amino acids of the OCRL protein. In summary, the available evidence is currently insufficient to determine the role of this variant in disease. Therefore, it has been classified as a Variant of Uncertain Significance.

Literature cited by the submitters: PubMed 21031565; PubMed 19795375; PubMed 17765681.